The following is an entry in ClinVar:

ClinVar aggregate classification (germline): Uncertain significance. Review status: criteria provided, multiple submitters, no conflicts (2 of 4 stars). 3 submissions from 3 submitters: Uncertain significance (3). Last evaluated 2026-04-03.

Conditions:
Cardiovascular phenotype. Identifiers: MedGen CN230736.
Hypertrophic cardiomyopathy. Also called: HYPERTROPHIC MYOCARDIOPATHY. Identifiers: Orphanet 217569, MedGen C0007194, MeSH D002312, MONDO:0005045, HP:0001639.

Allele frequency attached by ClinVar (database versions not stated): gnomAD exomes 0.00001 and below 0.00001; TOPMed below 0.00001.
gnomAD v4.1: 11 of 1,614,160 alleles (0.00068%); highest among the groups gnomAD compares: Non-Finnish European, 0.00093%; no homozygotes.

Submissions (3):

Ambry Genetics
Classification: Uncertain significance for Cardiovascular phenotype. Last evaluated: 2026-04-03. Review status: criteria provided, single submitter. Criteria: Ambry Variant Classification Scheme 2023. Collection method: clinical testing. Allele origin: germline.
Comment: The p.M92V variant (also known as c.274A>G), located in coding exon 2 of the MYH7 gene, results from an A to G substitution at nucleotide position 274. The methionine at codon 92 is replaced by valine, an amino acid with highly similar properties. This amino acid position is highly conserved in available vertebrate species. In addition, the in silico prediction for this alteration is inconclusive. Based on the available evidence, the clinical significance of this variant remains unclear.

Labcorp Genetics (formerly Invitae), Labcorp
Classification: Uncertain significance for Hypertrophic cardiomyopathy. Last evaluated: 2025-04-25. Review status: criteria provided, single submitter. Criteria: Invitae Variant Classification Sherloc (09022015). Collection method: clinical testing. Allele origin: germline.
Comment: This sequence change replaces methionine, which is neutral and non-polar, with valine, which is neutral and non-polar, at codon 92 of the MYH7 protein (p.Met92Val). This variant is present in population databases (no rsID available, gnomAD 0.0009%). This variant has not been reported in the literature in individuals affected with MYH7-related conditions. ClinVar contains an entry for this variant (Variation ID: 934782). Invitae Evidence Modeling of protein sequence and biophysical properties (such as structural, functional, and spatial information, amino acid conservation, physicochemical variation, residue mobility, and thermodynamic stability) indicates that this missense variant is expected to disrupt MYH7 protein function with a positive predictive value of 95%. In summary, the available evidence is currently insufficient to determine the role of this variant in disease. Therefore, it has been classified as a Variant of Uncertain Significance.

GeneDx
Classification: Uncertain significance. Last evaluated: 2020-03-25. Review status: criteria provided, single submitter. Criteria: GeneDx Variant Classification Process June 2021. Collection method: clinical testing. Allele origin: germline. Affected: yes.
Comment: Has not been previously published as pathogenic or benign to our knowledge; Not observed in large population cohorts (Lek et al., 2016); In silico analysis, which includes protein predictors and evolutionary conservation, supports a deleterious effect

NM_000257.4(MYH7):c.274A>G (p.Met92Val)

Gene: MYH7 (myosin heavy chain 7; minus strand). Cytogenetic location: 14q11.2.
Variant type: single nucleotide variant.
Coding change: c.274A>G on transcript NM_000257.4 (MANE Select); coding-DNA position 274, A replaced by G.
Protein change: p.Met92Val; replaces methionine 92 with valine.
Molecular consequence: missense variant.
Genome position (GRCh38, 1-based): chr14:23,433,155, T>C on the plus strand (A>G on the coding strand, the complement: MYH7 is on the minus strand). VCF-style: chr14-23433155-T-C. GRCh37 (hg19) VCF-style: chr14-23902364-T-C.
Other names: short protein forms M92V.
Identifiers: ClinVar variation 934782 (VCV000934782.12), dbSNP rs1222065426, ClinGen allele CA389053267.